The following is an entry in ClinVar:

ClinVar aggregate classification (germline): Uncertain significance. Review status: criteria provided, multiple submitters, no conflicts (2 of 4 stars). 2 submissions from 2 submitters: Uncertain significance (2). Last evaluated 2024-12-12.

Submissions (2):

Ambry Genetics
Classification: Uncertain significance. Last evaluated: 2024-12-12. Review status: criteria provided, single submitter. Criteria: Ambry Variant Classification Scheme 2023. Collection method: clinical testing. Allele origin: germline.
Comment: The p.S801F variant (also known as c.2402C>T), located in coding exon 13 of the GEN1 gene, results from a C to T substitution at nucleotide position 2402. The serine at codon 801 is replaced by phenylalanine, an amino acid with highly dissimilar properties. This amino acid position is conserved. In addition, this alteration is predicted to be tolerated by in silico analysis. Based on the available evidence, the clinical significance of this variant remains unclear.

Labcorp Genetics (formerly Invitae), Labcorp
Classification: Uncertain significance. Last evaluated: 2023-07-17. Review status: criteria provided, single submitter. Criteria: Invitae Variant Classification Sherloc (09022015). Collection method: clinical testing. Allele origin: germline.
Comment: In summary, the available evidence is currently insufficient to determine the role of this variant in disease. Therefore, it has been classified as a Variant of Uncertain Significance. An algorithm developed to predict the effect of missense changes on protein structure and function (PolyPhen-2) suggests that this variant is likely to be disruptive. This variant has not been reported in the literature in individuals affected with GEN1-related conditions. This variant is not present in population databases (gnomAD no frequency). This sequence change replaces serine, which is neutral and polar, with phenylalanine, which is neutral and non-polar, at codon 801 of the GEN1 protein (p.Ser801Phe).

NM_001130009.3(GEN1):c.2402C>T (p.Ser801Phe)

Gene: GEN1 (GEN1 structure-specific endonuclease; plus strand). Cytogenetic location: 2p24.2.
Variant type: single nucleotide variant.
Coding change: c.2402C>T on transcript NM_001130009.3 (MANE Select); coding-DNA position 2402, C replaced by T.
Protein change: p.Ser801Phe; replaces serine 801 with phenylalanine.
Molecular consequence: missense variant.
Genome position (GRCh38, 1-based): chr2:17,781,614, C>T. VCF-style: chr2-17781614-C-T. GRCh37 (hg19) VCF-style: chr2-17962881-C-T.
Other names: c.2402C>T, p.Ser801Phe (NM_182625.5); c.2402C>T (NM_001130009.1); short protein forms S801F.
Identifiers: ClinVar variation 2891466 (VCV002891466.4), dbSNP rs1672841153, ClinGen allele CA345927968.